The following is an entry in ClinVar:

ClinVar aggregate classification (germline): Uncertain significance (1 of 4 stars; one submission).

Conditions:
Severe combined immunodeficiency due to DCLRE1C deficiency (RS-SCID). Also called: SCID, AUTOSOMAL RECESSIVE, T CELL-NEGATIVE, B CELL-NEGATIVE, NK CELL-POSITIVE, WITH SENSITIVITY TO IONIZING RADIATION. Identifiers: Orphanet 275, MedGen C1865371, MONDO:0011225, OMIM 602450.

Allele frequency attached by ClinVar (database versions not stated): ExAC 0.00001; gnomAD exomes below 0.00001.
gnomAD v4.1: 1 of 1,613,242 alleles (0.000062%); highest among the groups gnomAD compares: South Asian, 0.0011%; no homozygotes.

Submission:

Labcorp Genetics (formerly Invitae), Labcorp
Classification: Uncertain significance for Athabaskan severe combined immunodeficiency. Last evaluated: 2021-12-06. Review status: criteria provided, single submitter. Criteria: Invitae Variant Classification Sherloc (09022015). Collection method: clinical testing. Allele origin: germline.
Comment: This sequence change replaces glycine, which is neutral and non-polar, with glutamic acid, which is acidic and polar, at codon 308 of the DCLRE1C protein (p.Gly308Glu). This variant is present in population databases (rs746582322, gnomAD 0.003%). This variant has not been reported in the literature in individuals affected with DCLRE1C-related conditions. Algorithms developed to predict the effect of missense changes on protein structure and function are either unavailable or do not agree on the potential impact of this missense change (SIFT: "Deleterious"; PolyPhen-2: "Possibly Damaging"; Align-GVGD: "Class C0"). In summary, the available evidence is currently insufficient to determine the role of this variant in disease. Therefore, it has been classified as a Variant of Uncertain Significance.

NM_001033855.3(DCLRE1C):c.923G>A (p.Gly308Glu)

Gene: DCLRE1C (DNA cross-link repair 1C; minus strand). Cytogenetic location: 10p13.
Variant type: single nucleotide variant.
Coding change: c.923G>A on transcript NM_001033855.3 (MANE Select); coding-DNA position 923, G replaced by A.
Protein change: p.Gly308Glu; replaces glycine 308 with glutamic acid.
Molecular consequence: missense variant. On other transcripts: non-coding transcript variant (3).
Genome position (GRCh38, 1-based): chr10:14,926,892, C>T on the plus strand (G>A on the coding strand, the complement: DCLRE1C is on the minus strand). VCF-style: chr10-14926892-C-T. GRCh37 (hg19) VCF-style: chr10-14968891-C-T.
Other names: c.563G>A, p.Gly188Glu (NM_001033857.3, NM_001033858.3, NM_001289077.2 and 2 more transcripts); c.578G>A, p.Gly193Glu (NM_001289076.2, NM_001289078.2, NM_001350966.2 and 1 more transcripts); c.923G>A, p.Gly308Glu (NM_001350965.2); short protein forms G193E, G188E, G308E.
Identifiers: ClinVar variation 1404476 (VCV001404476.3), dbSNP rs746582322, ClinGen allele CA5416626.